The following is an entry in ClinVar:

NM_003412.4(ZIC1):c.282C>G (p.Phe94Leu)

Gene: ZIC1 (Zic family zinc finger 1; plus strand). Cytogenetic location: 3q24.
Variant type: single nucleotide variant.
Coding change: c.282C>G on transcript NM_003412.4 (MANE Select); coding-DNA position 282, C replaced by G.
Protein change: p.Phe94Leu; replaces phenylalanine 94 with leucine.
Molecular consequence: missense variant.
Genome position (GRCh38, 1-based): chr3:147,410,394, C>G. VCF-style: chr3-147410394-C-G. GRCh37 (hg19) VCF-style: chr3-147128181-C-G.
Other names: short protein forms F94L.
Identifiers: ClinVar variation 863632 (VCV000863632.9), dbSNP rs2087358976, ClinGen allele CA354896358.

ClinVar aggregate classification (germline): Uncertain significance (1 of 4 stars; one submission).

Allele frequency attached by ClinVar (database versions not stated): gnomAD exomes below 0.00001.
gnomAD v4.1: 1 of 1,602,572 alleles (0.000062%); highest among the groups gnomAD compares: Non-Finnish European, 0.000085%; no homozygotes.

Submission:

Labcorp Genetics (formerly Invitae), Labcorp
Classification: Uncertain significance. Last evaluated: 2020-04-08. Review status: criteria provided, single submitter. Criteria: Invitae Variant Classification Sherloc (09022015). Collection method: clinical testing. Allele origin: germline.
Comment: This variant has not been reported in the literature in individuals with ZIC1-related disease. This variant is not present in population databases (ExAC no frequency). This sequence change replaces phenylalanine with leucine at codon 94 of the ZIC1 protein (p.Phe94Leu). The phenylalanine residue is highly conserved and there is a small physicochemical difference between phenylalanine and leucine. Algorithms developed to predict the effect of missense changes on protein structure and function do not agree on the potential impact of this missense change (SIFT: "Deleterious"; PolyPhen-2: "Possibly Damaging"; Align-GVGD: "Class C15"). In summary, the available evidence is currently insufficient to determine the role of this variant in disease. Therefore, it has been classified as a Variant of Uncertain Significance.